The following is an entry in ClinVar:

ClinVar aggregate classification (germline): Likely pathogenic (1 of 4 stars; one submission).

Conditions:
Greig cephalopolysyndactyly syndrome (GCPS). Also called: POLYSYNDACTYLY WITH PECULIAR SKULL SHAPE; GLI3-Related Greig Cephalopolysyndactyly Syndrome; Greig syndrome. Identifiers: Orphanet 380, MedGen C0265306, MONDO:0008287, OMIM 175700.
Pallister-Hall syndrome (PHS). Also called: GLI3-Related Pallister-Hall Syndrome; HYPOTHALAMIC HAMARTOBLASTOMA, HYPOPITUITARISM, IMPERFORATE ANUS, AND POSTAXIAL POLYDACTYLY. Identifiers: Orphanet 672, MedGen C0265220, MONDO:0007804, OMIM 146510.

Submission:

Labcorp Genetics (formerly Invitae), Labcorp
Classification: Likely pathogenic for Pallister-Hall syndrome; Greig cephalopolysyndactyly syndrome. Last evaluated: 2020-02-26. Review status: criteria provided, single submitter. Criteria: Invitae Variant Classification Sherloc (09022015). Collection method: clinical testing. Allele origin: germline.
Comment: In summary, the currently available evidence indicates that the variant is pathogenic, but additional data are needed to prove that conclusively. Therefore, this variant has been classified as Likely Pathogenic. Donor and acceptor splice site variants typically lead to a loss of protein function (PMID: 16199547), and loss-of-function variants in GLI3 are known to be pathogenic (PMID: 10441570, 15739154, 18000979, 24736735). This sequence change affects an acceptor splice site in intron 6 of the GLI3 gene. It is expected to disrupt RNA splicing and likely results in an absent or disrupted protein product. This variant is not present in population databases (ExAC no frequency). This variant has not been reported in the literature in individuals with GLI3-related conditions.

Literature cited by the submitters: PubMed 16199547; PubMed 10441570; PubMed 15739154; PubMed 18000979; PubMed 24736735.

NM_000168.6(GLI3):c.827-2A>G

Gene: GLI3 (GLI family zinc finger 3; minus strand). Cytogenetic location: 7p14.1.
Variant type: single nucleotide variant.
Coding change: c.827-2A>G on transcript NM_000168.6 (MANE Select); the canonical splice acceptor site of the intron before coding-DNA position 827, A replaced by G.
Molecular consequence: splice acceptor variant.
Genome position (GRCh38, 1-based): chr7:42,040,241, T>C on the plus strand (A>G on the coding strand, the complement: GLI3 is on the minus strand). VCF-style: chr7-42040241-T-C. GRCh37 (hg19) VCF-style: chr7-42079840-T-C.
Identifiers: ClinVar variation 1067943 (VCV001067943.8), dbSNP rs2128738764, ClinGen allele CA367329832.